The following is an entry in ClinVar:

ClinVar aggregate classification (germline): Uncertain significance (1 of 4 stars; one submission).

Conditions:
Werner syndrome (WRN). Identifiers: Orphanet 902, MedGen C0043119, MONDO:0010196, OMIM 277700.

Submission:

Labcorp Genetics (formerly Invitae), Labcorp
Classification: Uncertain significance for Werner syndrome. Last evaluated: 2021-02-08. Review status: criteria provided, single submitter. Criteria: Invitae Variant Classification Sherloc (09022015). Collection method: clinical testing. Allele origin: germline.
Comment: In summary, the available evidence is currently insufficient to determine the role of this variant in disease. Therefore, it has been classified as a Variant of Uncertain Significance. Algorithms developed to predict the effect of missense changes on protein structure and function (SIFT, PolyPhen-2, Align-GVGD) all suggest that this variant is likely to be tolerated, but these predictions have not been confirmed by published functional studies and their clinical significance is uncertain. This variant has not been reported in the literature in individuals with WRN-related disease. This variant is not present in population databases (ExAC no frequency). This sequence change replaces valine with leucine at codon 1096 of the WRN protein (p.Val1096Leu). The valine residue is weakly conserved and there is a small physicochemical difference between valine and leucine.

NM_000553.6(WRN):c.3286G>C (p.Val1096Leu)

Gene: WRN (WRN RecQ like helicase; plus strand). Cytogenetic location: 8p12.
Variant type: single nucleotide variant.
Coding change: c.3286G>C on transcript NM_000553.6 (MANE Select); coding-DNA position 3286, G replaced by C.
Protein change: p.Val1096Leu; replaces valine 1096 with leucine.
Molecular consequence: missense variant.
Genome position (GRCh38, 1-based): chr8:31,142,678, G>C. VCF-style: chr8-31142678-G-C. GRCh37 (hg19) VCF-style: chr8-31000194-G-C.
Other names: short protein forms V1096L.
Identifiers: ClinVar variation 655261 (VCV000655261.6), dbSNP rs987581093, ClinGen allele CA370923450.